The following is an entry in ClinVar:

NM_006059.4(LAMC3):c.1862C>A (p.Pro621His)

Gene: LAMC3 (laminin subunit gamma 3; plus strand). Cytogenetic location: 9q34.12.
Variant type: single nucleotide variant.
Coding change: c.1862C>A on transcript NM_006059.4 (MANE Select); coding-DNA position 1862, C replaced by A.
Protein change: p.Pro621His; replaces proline 621 with histidine.
Molecular consequence: missense variant.
Genome position (GRCh38, 1-based): chr9:131,052,888, C>A. VCF-style: chr9-131052888-C-A. GRCh37 (hg19) VCF-style: chr9-133928275-C-A.
Other names: c.1862C>A (NM_006059.3); short protein forms P621H.
Identifiers: ClinVar variation 1420648 (VCV001420648.8), dbSNP rs774833418, ClinGen allele CA5287248.

ClinVar aggregate classification (germline): Uncertain significance. Review status: criteria provided, multiple submitters, no conflicts (2 of 4 stars). 2 submissions from 2 submitters: Uncertain significance (2). Last evaluated 2023-12-21.

Conditions:
Inborn genetic diseases. Identifiers: MedGen C0950123, MeSH D030342.

Allele frequency attached by ClinVar (database versions not stated): TOPMed below 0.00001; ExAC 0.00001; gnomAD exomes 0.00001 and 0.00002.
gnomAD v4.1: 6 of 1,613,728 alleles (0.00037%); highest among the groups gnomAD compares: Admixed American, 0.01%; no homozygotes.

Submissions (2):

Ambry Genetics
Classification: Uncertain significance for Inborn genetic diseases. Last evaluated: 2023-12-21. Review status: criteria provided, single submitter. Criteria: Ambry Variant Classification Scheme 2023. Collection method: clinical testing. Allele origin: germline.

Labcorp Genetics (formerly Invitae), Labcorp
Classification: Uncertain significance. Last evaluated: 2022-07-19. Review status: criteria provided, single submitter. Criteria: Invitae Variant Classification Sherloc (09022015). Collection method: clinical testing. Allele origin: germline.
Comment: ClinVar contains an entry for this variant (Variation ID: 1420648). In summary, the available evidence is currently insufficient to determine the role of this variant in disease. Therefore, it has been classified as a Variant of Uncertain Significance. Algorithms developed to predict the effect of missense changes on protein structure and function are either unavailable or do not agree on the potential impact of this missense change (SIFT: "Tolerated"; PolyPhen-2: "Probably Damaging"; Align-GVGD: "Class C0"). This variant has not been reported in the literature in individuals affected with LAMC3-related conditions. This variant is present in population databases (rs774833418, gnomAD 0.006%). This sequence change replaces proline, which is neutral and non-polar, with histidine, which is basic and polar, at codon 621 of the LAMC3 protein (p.Pro621His).